The following is an entry in ClinVar:

NM_003072.5(SMARCA4):c.3317C>A (p.Thr1106Asn)

Gene: SMARCA4 (SWI/SNF related BAF chromatin remodeling complex subunit ATPase 4; plus strand). Cytogenetic location: 19p13.2.
Variant type: single nucleotide variant.
Coding change: c.3317C>A on transcript NM_003072.5 (MANE Select); coding-DNA position 3317, C replaced by A.
Protein change: p.Thr1106Asn; replaces threonine 1106 with asparagine.
Molecular consequence: missense variant. On other transcripts: non-coding transcript variant (1).
Genome position (GRCh38, 1-based): chr19:11,027,885, C>A. VCF-style: chr19-11027885-C-A. GRCh37 (hg19) VCF-style: chr19-11138561-C-A.
Other names: c.3317C>A, p.Thr1106Asn (NM_001128844.3, NM_001128845.2, NM_001128846.2 and 6 more transcripts); short protein forms T1106N.
Identifiers: ClinVar variation 3320752 (VCV003320752.1).
Genomic context (GRCh38, chr19:11,027,885, plus strand): 5'-ATAGAATTCTTCCCAAACTCCGAGCAACCAACCACAAAGTGCTGCTGTTCTGCCAAATGA[C>A]CTCCCTCATGACCATCATGGAAGATTACTTTGCGTATCGCGGCTTTAAATACCTCAGGCT-3'
Protein context (NP_003063.2, residues 1096-1116): NHKVLLFCQM[Thr1106Asn]SLMTIMEDYF

ClinVar aggregate classification (germline): Uncertain significance (1 of 4 stars; one submission).

Conditions:
Hereditary cancer-predisposing syndrome. Also called: Neoplastic Syndromes, Hereditary; Tumor predisposition; Hereditary neoplastic syndrome; Hereditary Cancer Syndrome. Identifiers: Orphanet 140162, MedGen C0027672, MeSH D009386, MONDO:0015356.

Submission:

Ambry Genetics
Classification: Uncertain significance for Hereditary cancer-predisposing syndrome. Last evaluated: 2024-05-26. Review status: criteria provided, single submitter. Criteria: Ambry Variant Classification Scheme 2023. Collection method: clinical testing. Allele origin: germline.
Comment: The p.T1106N variant (also known as c.3317C>A), located in coding exon 23 of the SMARCA4 gene, results from a C to A substitution at nucleotide position 3317. The threonine at codon 1106 is replaced by asparagine, an amino acid with similar properties. This amino acid position is conserved. In addition, the in silico prediction for this alteration is inconclusive. Based on the available evidence, the clinical significance of this variant remains unclear.